The following is an entry in ClinVar:

NM_003072.5(SMARCA4):c.4026G>A (p.Glu1342=)

Gene: SMARCA4 (SWI/SNF related BAF chromatin remodeling complex subunit ATPase 4; plus strand). Cytogenetic location: 19p13.2.
Variant type: single nucleotide variant.
Coding change: c.4026G>A on transcript NM_003072.5 (MANE Select); coding-DNA position 4026, G replaced by A.
Protein change: p.Glu1342=; no amino-acid change (glutamic acid 1342 retained).
Molecular consequence: synonymous variant. On other transcripts: non-coding transcript variant (1).
Genome position (GRCh38, 1-based): chr19:11,034,988, G>A. VCF-style: chr19-11034988-G-A. GRCh37 (hg19) VCF-style: chr19-11145664-G-A.
Other names: c.4026G>A, p.Glu1342= (NM_001128844.3, NM_001128849.3, NM_001387283.1); c.3927G>A, p.Glu1309= (NM_001128845.2, NM_001128846.2, NM_001128847.4 and 2 more transcripts).
Identifiers: ClinVar variation 470377 (VCV000470377.21), dbSNP rs1029640674, ClinGen allele CA305291487.

ClinVar aggregate classification (germline): Conflicting classifications of pathogenicity. Review status: criteria provided, conflicting classifications (1 of 4 stars). 6 submissions from 6 submitters: Uncertain significance (3); Benign (1); Likely benign (2). Last evaluated 2026-07-17.

Conditions:
Hereditary cancer-predisposing syndrome. Also called: Tumor predisposition; Neoplastic Syndromes, Hereditary; Hereditary Cancer Syndrome; Hereditary neoplastic syndrome. Identifiers: Orphanet 140162, MedGen C0027672, MeSH D009386, MONDO:0015356.
Rhabdoid tumor predisposition syndrome 2 (RTPS2). Identifiers: Orphanet 231108, Orphanet 69077, MedGen C2750074, MONDO:0013224, OMIM 613325.

Allele frequency attached by ClinVar (database versions not stated): TOPMed 0.00002; gnomAD 0.00001; gnomAD exomes 0.00001.

Submissions (6):

Myriad Genetics, Inc.
Classification: Benign for Rhabdoid tumor predisposition syndrome 2. Last evaluated: 2026-07-17. Review status: criteria provided, single submitter. Criteria: Myriad Autosomal Dominant, Autosomal Recessive and X-Linked Classification Criteria (2023). Collection method: clinical testing. Allele origin: unknown.
Comment: This variant is considered benign. This variant is a silent/synonymous amino acid change and it is not expected to impact splicing.

Labcorp Genetics (formerly Invitae), Labcorp
Classification: Likely benign for Rhabdoid tumor predisposition syndrome 2. Last evaluated: 2025-11-19. Review status: criteria provided, single submitter. Criteria: Invitae Variant Classification Sherloc (09022015). Collection method: clinical testing. Allele origin: germline.

Quest Diagnostics Nichols Institute San Juan Capistrano
Classification: Uncertain significance. Last evaluated: 2025-07-30. Review status: criteria provided, single submitter. Criteria: Quest Diagnostics criteria. Collection method: clinical testing. Allele origin: unknown.
Comment: The SMARCA4 c.4026G>A (p.Glu1342=) synonymous variant has not been reported in individuals with SMARCA4-related conditions in the published literature. The frequency of this variant in the general population (Genome Aggregation Database) is uninformative in the assessment of its pathogenicity. Analysis of this variant using software algorithms for the prediction of the effect of nucleotide changes on splicing yielded predictions that this variant does not affect SMARCA4 mRNA splicing. Based on the available information, we are unable to determine the clinical significance of this variant.

GeneDx
Classification: Uncertain significance. Last evaluated: 2023-10-10. Review status: criteria provided, single submitter. Criteria: GeneDx Variant Classification Process June 2021. Collection method: clinical testing. Allele origin: germline. Affected: yes.
Comment: In silico analysis supports that this variant does not alter splicing; Has not been previously published as pathogenic or benign to our knowledge

Sema4
Classification: Uncertain significance for Hereditary cancer-predisposing syndrome. Last evaluated: 2022-02-23. Review status: criteria provided, single submitter. Criteria: Sema4 Curation Guidelines. Collection method: curation. Allele origin: germline.
Comment: The SMARCA4 c.4026G>A (p.E1342=) variant has not been reported in the literature to our knowledge. It was observed in 2/8704 chromosomes of the African/African-American subpopulation, in the large and broad cohorts of the Genome Aggregation Database (PMID: 32461654). This variant has been reported in ClinVar (Variation ID 470377). The nucleotide is moderately conserved and in silico tools that predict the effect of sequence changes on splicing suggest that this variant may not impact splicing, though these predictions have not been confirmed by functional studies. There is no indication that this variant causes disease, but the evidence is insufficient currently to prove that conclusively. Thus, the clinical significance of this variant is currently uncertain.

Ambry Genetics
Classification: Likely benign for Hereditary cancer-predisposing syndrome. Last evaluated: 2018-07-23. Review status: criteria provided, single submitter. Criteria: Ambry Variant Classification Scheme 2023. Collection method: clinical testing. Allele origin: germline.